The following is an entry in ClinVar:

NM_000059.4(BRCA2):c.9018_9022del (p.Arg3007fs)

Gene: BRCA2 (BRCA2 DNA repair associated; plus strand). Cytogenetic location: 13q13.1.
Variant type: Deletion.
Coding change: c.9018_9022del on transcript NM_000059.4 (MANE Select); coding-DNA positions 9018 to 9022, 5 bases deleted (CAGAA; older notation c.9018_9022delCAGAA).
Protein change: p.Arg3007fs; shifts the reading frame from arginine 3007.
Molecular consequence: frameshift variant.
Genome position (GRCh38, 1-based): chr13:32,379,814-32,379,818, CAGAA deleted; deleting any 5 consecutive bases within chr13:32,379,813-32,379,818 gives the same sequence; the c. name uses the placement nearest the transcript's 3' end. VCF-style (leftmost placement, unchanged base first): chr13-32379812-TACAGA-T. GRCh37 (hg19) VCF-style: chr13-32953949-TACAGA-T.
Other names: c.9017_9021delACAGA (NM_000059.3); short protein forms R3007fs.
Identifiers: ClinVar variation 431351 (VCV000431351.1), dbSNP rs1135401929, ClinGen allele CA645372937.

ClinVar aggregate classification (germline): Pathogenic. Review status: reviewed by expert panel (3 of 4 stars). 2 submissions from 2 submitters: Pathogenic (1). 1 of the submissions does not count toward it. Last evaluated 2017-12-15.

Conditions:
Breast-ovarian cancer, familial, susceptibility to, 2 (BROVCA2). Also called: BRCA2 Hereditary Breast and Ovarian Cancer. Identifiers: Orphanet 145, MedGen C2675520, MONDO:0012933, OMIM 612555. Disease mechanism: loss of function.
Hereditary breast ovarian cancer syndrome. Also called: BRCA1- and BRCA2-Associated Hereditary Breast and Ovarian Cancer; Hereditary breast and/or ovarian cancer syndrome; Hereditary breast and ovarian cancer; Hereditary breast and ovarian cancer syndrome; Hereditary breast and ovarian cancer syndrome (HBOC); Breast and ovarian cancer. Identifiers: Orphanet 145, MedGen C0677776, MeSH D061325, MONDO:0003582. Disease mechanism: loss of function.

Submissions (2):

Evidence-based Network for the Interpretation of Germline Mutant Alleles (ENIGMA)
Classification: Pathogenic for Breast-ovarian cancer, familial, susceptibility to, 2. Last evaluated: 2017-12-15. Review status: reviewed by expert panel. Criteria: ENIGMA BRCA1/2 Classification Criteria (2017-06-29). Collection method: curation. Allele origin: germline. Study: ENIGMA.
Comment: Variant allele predicted to encode a truncated non-functional protein.

Research Molecular Genetics Laboratory, Women's College Hospital, University of Toronto
Classification: Pathogenic for Hereditary breast ovarian cancer syndrome. Last evaluated: 2014-01-31. Review status: no assertion criteria provided. Collection method: research. Allele origin: germline. Affected: yes. Study: The Canadian Open Genetics Repository (COGR). Not counted in ClinVar's aggregate classification.